The following is an entry in ClinVar:

NM_000127.3(EXT1):c.1225C>T (p.Gln409Ter)

Gene: EXT1 (exostosin glycosyltransferase 1; minus strand). Cytogenetic location: 8q24.11.
Variant type: single nucleotide variant.
Coding change: c.1225C>T on transcript NM_000127.3 (MANE Select); coding-DNA position 1225, C replaced by T.
Protein change: p.Gln409Ter; replaces glutamine 409 with a stop codon.
Molecular consequence: nonsense.
Genome position (GRCh38, 1-based): chr8:117,830,289, G>A on the plus strand (C>T on the coding strand, the complement: EXT1 is on the minus strand). VCF-style: chr8-117830289-G-A. GRCh37 (hg19) VCF-style: chr8-118842528-G-A.
Other names: short protein forms Q409*.
Identifiers: ClinVar variation 2572740 (VCV002572740.2), dbSNP rs755694640, ClinGen allele CA371890414.

ClinVar aggregate classification (germline): Pathogenic. Review status: criteria provided, multiple submitters, no conflicts (2 of 4 stars). 2 submissions from 2 submitters: Pathogenic (2). Last evaluated 2023-08-30.

Conditions:
Exostoses, multiple, type 1 (EXT1). Also called: EXOSTOSES, MULTIPLE, TYPE I; Hereditary Multiple Osteochondromatosis, Type I. Identifiers: MedGen CN263289, MONDO:0007585, OMIM 133700.

Submissions (2):

St. Jude Molecular Pathology, St. Jude Children's Research Hospital
Classification: Pathogenic for Exostoses, multiple, type 1. Last evaluated: 2023-08-30. Review status: criteria provided, single submitter. Criteria: St. Jude Assertion Criteria 2020. Collection method: clinical testing. Allele origin: germline.
Comment: The EXT1 c.1225C>T (p.Gln409Ter) change is a nonsense variant that is predicted to cause premature protein truncation or absence of protein due to nonsense-mediated decay. This variant has been reported in individuals with multiple osteochondromas (PMID: 16088908, 19810120). This variant is also absent in gnomAD v2.1.1. In summary, this variant meets criteria to be classified as pathogenic.

GeneDx
Classification: Pathogenic. Last evaluated: 2023-07-12. Review status: criteria provided, single submitter. Criteria: GeneDx Variant Classification Process June 2021. Collection method: clinical testing. Allele origin: germline. Affected: yes.
Comment: Nonsense variant predicted to result in protein truncation or nonsense mediated decay in a gene for which loss of function is a known mechanism of disease; Not observed at significant frequency in large population cohorts (gnomAD); This variant is associated with the following publications: (PMID: 25525159, 16088908)